The following is an entry in ClinVar:

ClinVar aggregate classification (germline): Uncertain significance. Review status: criteria provided, multiple submitters, no conflicts (2 of 4 stars). 2 submissions from 2 submitters: Uncertain significance (2). Last evaluated 2026-08-19.

Conditions:
Inborn genetic diseases. Identifiers: MedGen C0950123, MeSH D030342.
Salla disease (SD). Also called: Infantile sialic acid storage disorder (ISSD); Sialuria, Finnish type; N-acetylneuraminic acid (NANA) storage disease (NSD); Less Severe FSASD (Salla Disease). Identifiers: Orphanet 309334, Orphanet 834, MedGen C1096903, MONDO:0011449, OMIM 604369.

Allele frequency attached by ClinVar (database versions not stated): 1000 Genomes Project 0.00020; ExAC 0.00002; 1000 Genomes Project 30x 0.00016; gnomAD exomes below 0.00001 and 0.00001; gnomAD 0.00001; TOPMed 0.00001.
gnomAD v4.1: 5 of 1,612,032 alleles (0.00031%); highest among the groups gnomAD compares: Non-Finnish European, 0.00042%; no homozygotes.

Submissions (2):

Ambry Genetics
Classification: Uncertain significance for Inborn genetic diseases. Last evaluated: 2026-08-19. Review status: criteria provided, single submitter. Criteria: Ambry Variant Classification Scheme 2023. Collection method: clinical testing. Allele origin: germline.
Comment: The p.I220M variant (also known as c.660T>G), located in coding exon 5 of the SLC17A5 gene, results from a T to G substitution at nucleotide position 660. The isoleucine at codon 220 is replaced by methionine, an amino acid with highly similar properties. This amino acid position is conserved. In addition, the in silico prediction for this alteration is inconclusive. Based on the available evidence, the clinical significance of this variant remains unclear.

Labcorp Genetics (formerly Invitae), Labcorp
Classification: Uncertain significance for Salla disease. Last evaluated: 2023-10-03. Review status: criteria provided, single submitter. Criteria: Invitae Variant Classification Sherloc (09022015). Collection method: clinical testing. Allele origin: germline.
Comment: This sequence change replaces isoleucine, which is neutral and non-polar, with methionine, which is neutral and non-polar, at codon 220 of the SLC17A5 protein (p.Ile220Met). This variant is present in population databases (rs201408081, gnomAD 0.002%). This variant has not been reported in the literature in individuals affected with SLC17A5-related conditions. ClinVar contains an entry for this variant (Variation ID: 1362620). Advanced modeling of protein sequence and biophysical properties (such as structural, functional, and spatial information, amino acid conservation, physicochemical variation, residue mobility, and thermodynamic stability) performed at Invitae indicates that this missense variant is not expected to disrupt SLC17A5 protein function. In summary, the available evidence is currently insufficient to determine the role of this variant in disease. Therefore, it has been classified as a Variant of Uncertain Significance.

NM_012434.5(SLC17A5):c.660T>G (p.Ile220Met)

Gene: SLC17A5 (solute carrier family 17 member 5; minus strand). Cytogenetic location: 6q13.
Variant type: single nucleotide variant.
Coding change: c.660T>G on transcript NM_012434.5 (MANE Select); coding-DNA position 660, T replaced by G.
Protein change: p.Ile220Met; replaces isoleucine 220 with methionine.
Molecular consequence: missense variant. On other transcripts: intron variant (2).
Genome position (GRCh38, 1-based): chr6:73,636,661, A>C on the plus strand (T>G on the coding strand, the complement: SLC17A5 is on the minus strand). VCF-style: chr6-73636661-A-C. GRCh37 (hg19) VCF-style: chr6-74346384-A-C.
Other names: c.660T>G (NM_012434.4); c.429T>G, p.Ile143Met (NM_001382629.1); c.660T>G, p.Ile220Met (NM_001382630.1, NM_001382633.1, NM_001382634.1); c.681T>G, p.Ile227Met (NM_001382631.1); c.657T>G, p.Ile219Met (NM_001382635.1); c.383-1161T>G (NM_001382636.1); c.614-1161T>G (NM_001382632.1); short protein forms I143M, I219M, I227M, I220M.
Identifiers: ClinVar variation 1362620 (VCV001362620.10), dbSNP rs201408081, ClinGen allele CA3890472.
Genomic context (GRCh38, chr6:73,636,661, plus strand): 5'-AGTTAAAATTTTAAACTTACCAAAAAAGTAGAAGACATAAGTCCAATTCATATAGTAGCA[A>C]ATTATTCCAGAAAGAGGAAGAGAAATTACTGTCCCAAGCTGTGCTCCTAGAACAACACAT-3'
Protein context (NP_036566.1, residues 210-230): TVISLPLSGI[Ile220Met]CYYMNWTYVF